The following is an entry in ClinVar:

NM_001371928.1(AHDC1):c.3074C>G (p.Thr1025Ser)

Gene: AHDC1 (AT-hook DNA binding motif containing 1; minus strand). Cytogenetic location: 1p36.11.
Variant type: single nucleotide variant.
Coding change: c.3074C>G on transcript NM_001371928.1 (MANE Select); coding-DNA position 3074, C replaced by G.
Protein change: p.Thr1025Ser; replaces threonine 1025 with serine.
Molecular consequence: missense variant.
Genome position (GRCh38, 1-based): chr1:27,549,042, G>C on the plus strand (C>G on the coding strand, the complement: AHDC1 is on the minus strand). VCF-style: chr1-27549042-G-C. GRCh37 (hg19) VCF-style: chr1-27875553-G-C.
Other names: c.3074C>G, p.Thr1025Ser (NM_001029882.3); short protein forms T1025S.
Identifiers: ClinVar variation 2892073 (VCV002892073.3), dbSNP rs772498362, ClinGen allele CA715630.

ClinVar aggregate classification (germline): Uncertain significance (1 of 4 stars; one submission).

Allele frequency attached by ClinVar (database versions not stated): TOPMed 0.00002; gnomAD 0.00003; ExAC 0.00005; gnomAD exomes 0.00008.
gnomAD v4.1: 113 of 1,575,900 alleles (0.0072%); highest among the groups gnomAD compares: East Asian, 0.25%; no homozygotes.

Submission:

Labcorp Genetics (formerly Invitae), Labcorp
Classification: Uncertain significance. Last evaluated: 2024-01-19. Review status: criteria provided, single submitter. Criteria: Invitae Variant Classification Sherloc (09022015). Collection method: clinical testing. Allele origin: germline.
Comment: This sequence change replaces threonine, which is neutral and polar, with serine, which is neutral and polar, at codon 1025 of the AHDC1 protein (p.Thr1025Ser). This variant is present in population databases (rs772498362, gnomAD 0.06%). This variant has not been reported in the literature in individuals affected with AHDC1-related conditions. An algorithm developed to predict the effect of missense changes on protein structure and function (PolyPhen-2) suggests that this variant is likely to be disruptive. In summary, the available evidence is currently insufficient to determine the role of this variant in disease. Therefore, it has been classified as a Variant of Uncertain Significance.